The following is an entry in ClinVar:

NM_182961.4(SYNE1):c.25523A>G (p.Glu8508Gly)

Gene: SYNE1 (spectrin repeat containing nuclear envelope protein 1; minus strand). Cytogenetic location: 6q25.2.
Variant type: single nucleotide variant.
Coding change: c.25523A>G on transcript NM_182961.4 (MANE Select); coding-DNA position 25523, A replaced by G.
Protein change: p.Glu8508Gly; replaces glutamic acid 8508 with glycine.
Molecular consequence: missense variant.
Genome position (GRCh38, 1-based): chr6:152,136,754, T>C on the plus strand (A>G on the coding strand, the complement: SYNE1 is on the minus strand). VCF-style: chr6-152136754-T-C. GRCh37 (hg19) VCF-style: chr6-152457889-T-C.
Other names: c.2129A>G, p.Glu710Gly (NM_001347701.2); c.2057A>G, p.Glu686Gly (NM_001347702.2); c.25379A>G, p.Glu8460Gly (NM_033071.5); short protein forms E710G, E8508G, E686G, E8460G.
Identifiers: ClinVar variation 1030076 (VCV001030076.1), dbSNP rs2057176996, ClinGen allele CA366079066.

ClinVar aggregate classification (germline): Uncertain significance (1 of 4 stars; one submission).

Conditions:
Arthrogryposis multiplex congenita 3, myogenic type. Also called: ARTHROGRYPOSIS MULTIPLEX CONGENITA, MYOGENIC TYPE. Identifiers: MedGen C5193121, MONDO:0032778, OMIM 618484.

Submission:

Baylor Genetics
Classification: Uncertain significance for Arthrogryposis multiplex congenita 3, myogenic type. Last evaluated: 2020-05-05. Review status: criteria provided, single submitter. Criteria: ACMG Guidelines, 2015. Collection method: clinical testing. Allele origin: unknown. Affected: yes.
Comment: This variant was determined to be of uncertain significance according to ACMG Guidelines, 2015 [PMID:25741868].